The following is an entry in ClinVar:

NM_024675.4(PALB2):c.3153T>C (p.Ile1051=)

Gene: PALB2 (partner and localizer of BRCA2; minus strand). Cytogenetic location: 16p12.2.
Variant type: single nucleotide variant.
Coding change: c.3153T>C on transcript NM_024675.4 (MANE Select); coding-DNA position 3153, T replaced by C.
Protein change: p.Ile1051=; no amino-acid change (isoleucine 1051 retained).
Molecular consequence: synonymous variant.
Genome position (GRCh38, 1-based): chr16:23,614,052, A>G on the plus strand (T>C on the coding strand, the complement: PALB2 is on the minus strand). VCF-style: chr16-23614052-A-G. GRCh37 (hg19) VCF-style: chr16-23625373-A-G.
Other names: c.3153T>C (NM_024675.3).
Identifiers: ClinVar variation 1145468 (VCV001145468.12), dbSNP rs1168676309, ClinGen allele CA494177671.

ClinVar aggregate classification (germline): Benign/Likely benign. Review status: criteria provided, multiple submitters, no conflicts (2 of 4 stars). 3 submissions from 3 submitters: Benign (1); Likely benign (2). Last evaluated 2026-07-27.

Conditions:
Familial cancer of breast. Also called: Hereditary breast cancer; hereditary breast carcinoma; BREAST CANCER, FAMILIAL. Identifiers: Orphanet 227535, MedGen C0346153, MONDO:0016419, OMIM 114480. Disease mechanism: loss of function.
Hereditary cancer-predisposing syndrome. Also called: Neoplastic Syndromes, Hereditary; Tumor predisposition; Hereditary Cancer Syndrome; Hereditary neoplastic syndrome. Identifiers: Orphanet 140162, MedGen C0027672, MeSH D009386, MONDO:0015356.

gnomAD v4.1: 3 of 1,613,640 alleles (0.00019%); highest among the groups gnomAD compares: Non-Finnish European, 0.00025%; no homozygotes.

Submissions (3):

Ambry Genetics
Classification: Likely benign for Hereditary cancer-predisposing syndrome. Last evaluated: 2026-07-27. Review status: criteria provided, single submitter. Criteria: Ambry Variant Classification Scheme 2023. Collection method: clinical testing. Allele origin: germline.

Myriad Genetics, Inc.
Classification: Benign for Familial cancer of breast. Last evaluated: 2025-01-21. Review status: criteria provided, single submitter. Criteria: Myriad Autosomal Dominant, Autosomal Recessive and X-Linked Classification Criteria (2023). Collection method: clinical testing. Allele origin: unknown.
Comment: This variant is considered benign. This variant is a silent/synonymous amino acid change and it is not expected to impact splicing.

Labcorp Genetics (formerly Invitae), Labcorp
Classification: Likely benign for Familial cancer of breast. Last evaluated: 2022-09-03. Review status: criteria provided, single submitter. Criteria: Invitae Variant Classification Sherloc (09022015). Collection method: clinical testing. Allele origin: germline.